The following is an entry in ClinVar:

ClinVar aggregate classification (germline): Conflicting classifications of pathogenicity. Review status: criteria provided, conflicting classifications (1 of 4 stars). 2 submissions from 2 submitters: Uncertain significance (1); Likely benign (1). Last evaluated 2025-08-14.

Conditions:
Glycogen storage disease IXd (GSD9D). Also called: GSD IXd; Muscle Phosphorylase Kinase Deficiency. Identifiers: Orphanet 715, MedGen C1845151, MONDO:0010362, OMIM 300559.

Submissions (2):

Labcorp Genetics (formerly Invitae), Labcorp
Classification: Uncertain significance for Glycogen storage disease IXd. Last evaluated: 2025-08-14. Review status: criteria provided, single submitter. Criteria: Invitae Variant Classification Sherloc (09022015). Collection method: clinical testing. Allele origin: germline.
Comment: This sequence change replaces lysine, which is basic and polar, with arginine, which is basic and polar, at codon 764 of the PHKA1 protein (p.Lys764Arg). This variant is present in population databases (rs782108372, gnomAD 0.03%). This variant has not been reported in the literature in individuals affected with PHKA1-related conditions. Invitae Evidence Modeling of protein sequence and biophysical properties (such as structural, functional, and spatial information, amino acid conservation, physicochemical variation, residue mobility, and thermodynamic stability) indicates that this missense variant is not expected to disrupt PHKA1 protein function with a negative predictive value of 80%. In summary, the available evidence is currently insufficient to determine the role of this variant in disease. Therefore, it has been classified as a Variant of Uncertain Significance.

Blueprint Genetics
Classification: Likely benign. Last evaluated: 2023-04-21. Review status: criteria provided, single submitter. Criteria: ACMG Guidelines, 2015. Collection method: clinical testing. Allele origin: germline.

NM_002637.4(PHKA1):c.2291A>G (p.Lys764Arg)

Gene: PHKA1 (phosphorylase kinase regulatory subunit alpha 1; minus strand). Cytogenetic location: Xq13.1.
Variant type: single nucleotide variant.
Coding change: c.2291A>G on transcript NM_002637.4 (MANE Select); coding-DNA position 2291, A replaced by G.
Protein change: p.Lys764Arg; replaces lysine 764 with arginine.
Molecular consequence: missense variant.
Genome position (GRCh38, 1-based): chrX:72,618,788, T>C on the plus strand (A>G on the coding strand, the complement: PHKA1 is on the minus strand). VCF-style: chrX-72618788-T-C. GRCh37 (hg19) VCF-style: chrX-71838638-T-C.
Other names: c.2291A>G, p.Lys764Arg (NM_001122670.2, NM_001431068.1, NM_001440787.1); c.2114A>G, p.Lys705Arg (NM_001172436.2, NM_001440788.1); short protein forms K705R, K764R.
Identifiers: ClinVar variation 4715260 (VCV004715260.2).